The following is an entry in ClinVar:

ClinVar aggregate classification (germline): Uncertain significance (1 of 4 stars; one submission).

Allele frequency attached by ClinVar (database versions not stated): ESP Exome Variant Server 0.00008; TOPMed 0.00009; gnomAD 0.00003; ExAC 0.00013; gnomAD exomes 0.00013.

Submission:

Labcorp Genetics (formerly Invitae), Labcorp
Classification: Uncertain significance. Last evaluated: 2021-09-01. Review status: criteria provided, single submitter. Criteria: Invitae Variant Classification Sherloc (09022015). Collection method: clinical testing. Allele origin: germline.
Comment: This sequence change replaces arginine with histidine at codon 516 of the CDT1 protein (p.Arg516His). The arginine residue is highly conserved and there is a small physicochemical difference between arginine and histidine. This variant is present in population databases (rs138633544, ExAC 0.1%). This variant has not been reported in the literature in individuals affected with CDT1-related conditions. Algorithms developed to predict the effect of missense changes on protein structure and function are either unavailable or do not agree on the potential impact of this missense change (SIFT: "Deleterious"; PolyPhen-2: "Probably Damaging"; Align-GVGD: "Class C0"). In summary, the available evidence is currently insufficient to determine the role of this variant in disease. Therefore, it has been classified as a Variant of Uncertain Significance.

NM_030928.4(CDT1):c.1547G>A (p.Arg516His)

Gene: CDT1 (chromatin licensing and DNA replication factor 1; plus strand). Cytogenetic location: 16q24.3.
Variant type: single nucleotide variant.
Coding change: c.1547G>A on transcript NM_030928.4 (MANE Select); coding-DNA position 1547, G replaced by A.
Protein change: p.Arg516His; replaces arginine 516 with histidine.
Molecular consequence: missense variant.
Genome position (GRCh38, 1-based): chr16:88,808,184, G>A. VCF-style: chr16-88808184-G-A. GRCh37 (hg19) VCF-style: chr16-88874592-G-A.
Other names: short protein forms R516H.
Identifiers: ClinVar variation 1441297 (VCV001441297.5), dbSNP rs138633544, ClinGen allele CA8234231.
Genomic context (GRCh38, chr16:88,808,184, plus strand): 5'-AGAAGCACCTGCTGCTCCTCTCCGAGCTGCTGCCGGACTGGCTCAGCCTCCACCGCATCC[G>A]CACCGACACCTACGTCAAGCTGGACAAGGCCGCGGACCTCGCCCACATCACTGCACGCCT-3'
Protein context (NP_112190.2, residues 506-526): LPDWLSLHRI[Arg516His]TDTYVKLDKA